The following is an entry in ClinVar:

NM_178170.3(NEK8):c.25G>C (p.Val9Leu)

Gene: NEK8 (NIMA related kinase 8; plus strand). Cytogenetic location: 17q11.2.
Variant type: single nucleotide variant.
Coding change: c.25G>C on transcript NM_178170.3 (MANE Select); coding-DNA position 25, G replaced by C.
Protein change: p.Val9Leu; replaces valine 9 with leucine.
Molecular consequence: missense variant.
Genome position (GRCh38, 1-based): chr17:28,728,838, G>C. VCF-style: chr17-28728838-G-C. GRCh37 (hg19) VCF-style: chr17-27055856-G-C.
Other names: short protein forms V9L.
Identifiers: ClinVar variation 3404245 (VCV003404245.3).
Genomic context (GRCh38, chr17:28,728,838, plus strand): 5'-CGCGTGGGGGACGGAAGTGAAACTCTAAGAAATGAGATGGAGAAGTACGAGCGGATCCGA[G>C]TGGTGGGGAGAGGTGCCTTCGGGTGAGCCAGGGCTCTGGGGGAGGAAACTGCTAGGGGAT-3'
Protein context (NP_835464.1, residues 1-19): MEKYERIR[Val9Leu]VGRGAFGIVH

ClinVar aggregate classification (germline): Uncertain significance. Review status: criteria provided, multiple submitters, no conflicts (2 of 4 stars). 3 submissions from 3 submitters: Uncertain significance (3). Last evaluated 2026-09-16.

Conditions:
NEK8-related disorder. Also called: NEK8-related condition.
Nephronophthisis 9 (NPHP9). Identifiers: Orphanet 655, MedGen C3151188, MONDO:0013444, OMIM 613824.
Inborn genetic diseases. Identifiers: MedGen C0950123, MeSH D030342.

Submissions (3):

PreventionGenetics, part of Exact Sciences
Classification: Uncertain significance for NEK8-related condition. Last evaluated: 2026-09-16. Review status: criteria provided, single submitter. Criteria: ACMG Guidelines, 2015. Collection method: clinical testing. Allele origin: germline.
Comment: The NEK8 c.25G>C variant is predicted to result in the amino acid substitution p.Val9Leu. To our knowledge, this variant has not been reported in the literature or in a large population database (gnomAD), indicating this variant is rare. At this time, the clinical significance of this variant is uncertain due to the absence of conclusive functional and genetic evidence.

Labcorp Genetics (formerly Invitae), Labcorp
Classification: Uncertain significance for Nephronophthisis 9. Last evaluated: 2025-10-03. Review status: criteria provided, single submitter. Criteria: Invitae Variant Classification Sherloc (09022015). Collection method: clinical testing. Allele origin: germline.
Comment: This sequence change replaces valine, which is neutral and non-polar, with leucine, which is neutral and non-polar, at codon 9 of the NEK8 protein (p.Val9Leu). This variant is not present in population databases (gnomAD no frequency). This variant has not been reported in the literature in individuals affected with NEK8-related conditions. ClinVar contains an entry for this variant (Variation ID: 3404245). An algorithm developed to predict the effect of missense changes on protein structure and function (PolyPhen-2) suggests that this variant is likely to be tolerated. In summary, the available evidence is currently insufficient to determine the role of this variant in disease. Therefore, it has been classified as a Variant of Uncertain Significance.

Ambry Genetics
Classification: Uncertain significance for Inborn genetic diseases. Last evaluated: 2024-11-10. Review status: criteria provided, single submitter. Criteria: Ambry Variant Classification Scheme 2023. Collection method: clinical testing. Allele origin: germline.